The following is an entry in ClinVar:

ClinVar aggregate classification (germline): Uncertain significance. Review status: criteria provided, multiple submitters, no conflicts (2 of 4 stars). 3 submissions from 3 submitters: Uncertain significance (3). Last evaluated 2024-09-06.

Allele frequency attached by ClinVar (database versions not stated): 1000 Genomes Project 30x 0.00031; gnomAD 0.00033 and 0.00035; TOPMed 0.00033; ESP Exome Variant Server 0.00057.
gnomAD v4.1: 603 of 1,612,568 alleles (0.037%); highest among the groups gnomAD compares: Non-Finnish European, 0.046%; no homozygotes.

Submissions (3):

Blueprint Genetics
Classification: Uncertain significance. Last evaluated: 2024-09-06. Review status: criteria provided, single submitter. Criteria: ACMG Guidelines, 2015. Collection method: clinical testing. Allele origin: germline.

Ambry Genetics
Classification: Uncertain significance. Last evaluated: 2024-07-09. Review status: criteria provided, single submitter. Criteria: Ambry Variant Classification Scheme 2023. Collection method: clinical testing. Allele origin: germline.

Labcorp Genetics (formerly Invitae), Labcorp
Classification: Uncertain significance. Last evaluated: 2024-01-24. Review status: criteria provided, single submitter. Criteria: Invitae Variant Classification Sherloc (09022015). Collection method: clinical testing. Allele origin: germline.
Comment: This sequence change replaces valine, which is neutral and non-polar, with isoleucine, which is neutral and non-polar, at codon 775 of the PITRM1 protein (p.Val775Ile). This variant is present in population databases (rs200737276, gnomAD 0.1%). This variant has not been reported in the literature in individuals affected with PITRM1-related conditions. ClinVar contains an entry for this variant (Variation ID: 1347980). An algorithm developed to predict the effect of missense changes on protein structure and function (PolyPhen-2) suggests that this variant is likely to be disruptive. In summary, the available evidence is currently insufficient to determine the role of this variant in disease. Therefore, it has been classified as a Variant of Uncertain Significance.

NM_014889.4(PITRM1):c.2617G>A (p.Val873Ile)

Genes: PITRM1 (pitrilysin metallopeptidase 1; minus strand), PITRM1-AS1 (PITRM1 antisense RNA 1; plus strand). Cytogenetic location: 10p15.2.
Variant type: single nucleotide variant.
Coding change: c.2617G>A on transcript NM_014889.4 (MANE Select); coding-DNA position 2617, G replaced by A.
Protein change: p.Val873Ile; replaces valine 873 with isoleucine.
Molecular consequence: missense variant. On other transcripts: non-coding transcript variant (4).
Genome position (GRCh38, 1-based): chr10:3,143,417, C>T on the plus strand (G>A on the coding strand, the complement: PITRM1 is on the minus strand). VCF-style: chr10-3143417-C-T. GRCh37 (hg19) VCF-style: chr10-3185609-C-T.
Other names: c.2620G>A, p.Val874Ile (NM_001242307.2); c.2323G>A, p.Val775Ile (NM_001242309.1); c.2419G>A, p.Val807Ile (NM_001347725.2); c.1804G>A, p.Val602Ile (NM_001347726.2); c.2002G>A, p.Val668Ile (NM_001347727.2); c.1312G>A, p.Val438Ile (NM_001347728.2); c.2593G>A, p.Val865Ile (NM_001347729.1); c.2395G>A, p.Val799Ile (NM_001347730.1); and 1 more; short protein forms V438I, V807I, V865I, V874I, V668I, V775I, V799I, V873I.
Identifiers: ClinVar variation 1347980 (VCV001347980.9), dbSNP rs200737276, ClinGen allele CA5387318.